The following is an entry in ClinVar:

ClinVar aggregate classification (germline): Uncertain significance (1 of 4 stars; one submission).

Conditions:
Epilepsy. Also called: Seizure disorder. Identifiers: MedGen C0014544, MeSH D004827, MONDO:0005027.

Submission:

Labcorp Genetics (formerly Invitae), Labcorp
Classification: Uncertain significance for Epilepsy. Last evaluated: 2022-05-25. Review status: criteria provided, single submitter. Criteria: Invitae Variant Classification Sherloc (09022015). Collection method: clinical testing. Allele origin: germline.
Comment: This sequence change replaces arginine, which is basic and polar, with proline, which is neutral and non-polar, at codon 516 of the PIGQ protein (p.Arg516Pro). This variant is not present in population databases (gnomAD no frequency). This variant has not been reported in the literature in individuals affected with PIGQ-related conditions. Algorithms developed to predict the effect of missense changes on protein structure and function are either unavailable or do not agree on the potential impact of this missense change (SIFT: "Tolerated"; PolyPhen-2: "Possibly Damaging"; Align-GVGD: "Class C0"). In summary, the available evidence is currently insufficient to determine the role of this variant in disease. Therefore, it has been classified as a Variant of Uncertain Significance.

NM_004204.5(PIGQ):c.1547G>C (p.Arg516Pro)

Gene: PIGQ (phosphatidylinositol glycan anchor biosynthesis class Q; plus strand). Cytogenetic location: 16p13.3.
Variant type: single nucleotide variant.
Coding change: c.1547G>C on transcript NM_004204.5 (MANE Select); coding-DNA position 1547, G replaced by C.
Protein change: p.Arg516Pro; replaces arginine 516 with proline.
Molecular consequence: missense variant. On other transcripts: intron variant (1).
Genome position (GRCh38, 1-based): chr16:582,263, G>C. VCF-style: chr16-582263-G-C. GRCh37 (hg19) VCF-style: chr16-632263-G-C.
Other names: c.1532-620G>C (NM_148920.4); short protein forms R516P.
Identifiers: ClinVar variation 2182595 (VCV002182595.4), dbSNP rs376467540, ClinGen allele CA394060554.